The following is an entry in ClinVar:

NM_015425.6(POLR1A):c.2583_2586del (p.Ile861_Asp862insTer)

Gene: POLR1A (RNA polymerase I subunit A; minus strand). Cytogenetic location: 2p11.2.
Variant type: Microsatellite.
Coding change: c.2583_2586del on transcript NM_015425.6 (MANE Select); coding-DNA positions 2583 to 2586, 4 bases deleted (TGAT; older notation c.2583_2586delTGAT).
Protein change: p.Ile861_Asp862insTer.
Molecular consequence: frameshift variant.
Genome position (GRCh38, 1-based): chr2:86,048,932-86,048,935, ATCA deleted on the plus strand (TGAT on the coding strand, the reverse complement: POLR1A is on the minus strand); deleting any 4 consecutive bases within chr2:86,048,932-86,048,939 gives the same sequence; the c. name uses the placement nearest the transcript's 3' end. VCF-style (leftmost placement, unchanged base first): chr2-86048931-GATCA-G. GRCh37 (hg19) VCF-style: chr2-86276054-GATCA-G.
Identifiers: ClinVar variation 1804310 (VCV001804310.1), dbSNP rs2466358228, ClinGen allele CA2580611673.

ClinVar aggregate classification (germline): Uncertain significance (1 of 4 stars; one submission).

Submission:

GeneDx
Classification: Uncertain significance. Last evaluated: 2022-06-10. Review status: criteria provided, single submitter. Criteria: GeneDx Variant Classification Process June 2021. Collection method: clinical testing. Allele origin: germline. Affected: yes.
Comment: Not observed at significant frequency in large population cohorts (gnomAD); Nonsense variant predicted to result in protein truncation or nonsense mediated decay in a gene or region of a gene for which loss of function is not a well-established mechanism of disease; Has not been previously published as pathogenic or benign to our knowledge